The following is an entry in ClinVar:

NM_002485.5(NBN):c.2234+2T>G

Gene: NBN (nibrin; minus strand). Cytogenetic location: 8q21.3.
Variant type: single nucleotide variant.
Coding change: c.2234+2T>G on transcript NM_002485.5 (MANE Select); the canonical splice donor site of the intron after coding-DNA position 2234, T replaced by G.
Molecular consequence: splice donor variant.
Genome position (GRCh38, 1-based): chr8:89,937,024, A>C on the plus strand (T>G on the coding strand, the complement: NBN is on the minus strand). VCF-style: chr8-89937024-A-C. GRCh37 (hg19) VCF-style: chr8-90949252-A-C.
Other names: c.1988+2T>G (NM_001024688.3).
Identifiers: ClinVar variation 185026 (VCV000185026.27), dbSNP rs142301194, ClinGen allele CA190813.

ClinVar aggregate classification (germline): Likely pathogenic. Review status: criteria provided, multiple submitters, no conflicts (2 of 4 stars). 6 submissions from 6 submitters: Likely pathogenic (6). Last evaluated 2025-11-24.

Conditions:
Hereditary cancer-predisposing syndrome. Also called: Tumor predisposition; Hereditary Cancer Syndrome; Hereditary neoplastic syndrome; Neoplastic Syndromes, Hereditary. Identifiers: Orphanet 140162, MedGen C0027672, MeSH D009386, MONDO:0015356.
Aplastic anemia. Identifiers: Orphanet 182040, Orphanet 88, MedGen C0002874, MONDO:0015909, OMIM 609135, HP:0001915.
Microcephaly, normal intelligence and immunodeficiency (NBS). Also called: IMMUNODEFICIENCY, MICROCEPHALY, AND CHROMOSOMAL INSTABILITY; SEEMANOVA SYNDROME II; Nijmegen breakage syndrome; Microcephaly with normal intelligence immunodeficiency and lymphoreticular malignancies; Nonsyndromal microcephaly autosomal recessive with normal intelligence; Seemanova syndrome 2. Identifiers: Orphanet 647, MedGen C0398791, MONDO:0009623, OMIM 251260.

Allele frequency attached by ClinVar (database versions not stated): gnomAD exomes 0.00001 and below 0.00001; ESP Exome Variant Server 0.00008; TOPMed below 0.00001; ExAC 0.00001; gnomAD 0.00001.
gnomAD v4.1: 7 of 1,606,508 alleles (0.00044%); highest among the groups gnomAD compares: African/African-American, 0.0013%; no homozygotes.

Submissions (6):

Labcorp Genetics (formerly Invitae), Labcorp
Classification: Likely pathogenic for Microcephaly, normal intelligence and immunodeficiency. Last evaluated: 2025-11-24. Review status: criteria provided, single submitter. Criteria: Invitae Variant Classification Sherloc (09022015). Collection method: clinical testing. Allele origin: germline.
Comment: This sequence change affects a donor splice site in intron 15 of the NBN gene. RNA analysis indicates that disruption of this splice site induces altered splicing and likely disrupts the C-terminus of the protein. This variant is present in population databases (rs142301194, gnomAD 0.0009%). This variant has not been reported in the literature in individuals affected with NBN-related conditions. ClinVar contains an entry for this variant (Variation ID: 185026). Variants that disrupt the consensus splice site are a relatively common cause of aberrant splicing (PMID: 17576681, 9536098). Studies have shown that disruption of this splice site results in skipping of exon 15 and introduces a new termination codon (internal data). However the mRNA is not expected to undergo nonsense-mediated decay. This variant disrupts the ATM interaction domain of the NBN protein (PMID: 24894818, 21035407), which is important for activating ATM in the double-strand break repair pathway (PMID: 15964794, 15048089). While functional studies have not been performed to directly test the effect of this variant on NBN protein function, this suggests that disruption of this region of the protein is causative of disease. In summary, the currently available evidence indicates that the variant is pathogenic, but additional data are needed to prove that conclusively. Therefore, this variant has been classified as Likely Pathogenic.

Ambry Genetics
Classification: Likely pathogenic for Hereditary cancer-predisposing syndrome. Last evaluated: 2024-08-20. Review status: criteria provided, single submitter. Criteria: Ambry Variant Classification Scheme 2023. Collection method: clinical testing. Allele origin: germline.
Comment: The c.2234+2T>G intronic variant results from a T to G substitution two nucleotides after coding exon 15 in the NBN gene. This alteration occurs at the 3' terminus of the NBN gene, is not expected to trigger nonsense-mediated mRNA decay, and only impacts the last 26 amino acids of the protein. The exact functional effect of this alteration is unknown; however, the impacted region is critical for protein function (Ambry internal data). This nucleotide position is highly conserved in available vertebrate species. In silico splice site analysis predicts that this alteration will weaken the native splice donor site. RNA studies have demonstrated that this alteration results in abnormal splicing in the set of samples tested (Ambry internal data). Alterations that disrupt the canonical splice site are expected to cause aberrant splicing, resulting in an abnormal protein. As such, this alteration is classified as likely pathogenic.

Baylor Genetics
Classification: Likely pathogenic for Aplastic anemia. Last evaluated: 2024-03-27. Review status: criteria provided, single submitter. Criteria: ACMG Guidelines, 2015. Collection method: clinical testing. Allele origin: unknown.

GeneDx
Classification: Likely pathogenic. Last evaluated: 2023-03-15. Review status: criteria provided, single submitter. Criteria: GeneDx Variant Classification Process June 2021. Collection method: clinical testing. Allele origin: germline. Affected: yes.
Comment: Canonical splice site variant predicted to result in a null allele in a gene for which loss of function is a known mechanism of disease; Not observed at significant frequency in large population cohorts (gnomAD); Observed in individuals referred for hereditary cancer testing (LaDuca et al., 2017); This variant is associated with the following publications: (PMID: 23334666, 21035407, 17429352, 29922827, 24894818, 15964794, 15048089, 33804961, 28152038)

Sema4
Classification: Likely pathogenic for Hereditary cancer-predisposing syndrome. Last evaluated: 2021-03-03. Review status: criteria provided, single submitter. Criteria: Sema4 Curation Guidelines. Collection method: curation. Allele origin: germline.
Comment: The NBN c.2234+2T>G variant has been reported in at least one individual referred for hereditary cancer genetic testing (PMID: 28152038). This variant disrupts the canonical splice site, which is expected to result in expression of truncated protein without C-terminal region of the NBN. The C-terminal domain is important for activating ATM during DNA repair (PMID: 21035407, 15048089).This variant was observed in 1/113074 chromosomes in the Non-Finnish European population, according to the Genome Aggregation Database (PMID: 32461654). Based on the current evidence available, this variant is interpreted as likely pathogenic.

Quest Diagnostics Nichols Institute San Juan Capistrano
Classification: Likely pathogenic. Last evaluated: 2017-05-08. Review status: criteria provided, single submitter. Criteria: Quest Diagnostics criteria. Collection method: clinical testing. Allele origin: germline.

Literature cited by the submitters: PubMed 17576681 (cited by Labcorp Genetics (formerly Invitae), Labcorp); PubMed 9536098 (cited by Labcorp Genetics (formerly Invitae), Labcorp); PubMed 24894818 (cited by Labcorp Genetics (formerly Invitae), Labcorp); PubMed 21035407 (cited by Labcorp Genetics (formerly Invitae), Labcorp and Sema4); PubMed 15964794 (cited by Labcorp Genetics (formerly Invitae), Labcorp); PubMed 15048089 (cited by Labcorp Genetics (formerly Invitae), Labcorp and Sema4); PubMed 28152038 (cited by Sema4 and Quest Diagnostics Nichols Institute San Juan Capistrano).